The following is an entry in ClinVar:

ClinVar aggregate classification (germline): Uncertain significance (1 of 4 stars; one submission).

Conditions:
Neurodevelopmental disorder with or without hyperkinetic movements and seizures, autosomal dominant. Also called: Intellectual disability, autosomal dominant 8. Identifiers: MedGen C3280282, MONDO:0013655, OMIM 614254.

Submission:

Labcorp Genetics (formerly Invitae), Labcorp
Classification: Uncertain significance for Neurodevelopmental disorder with or without hyperkinetic movements and seizures, autosomal dominant. Last evaluated: 2023-07-26. Review status: criteria provided, single submitter. Criteria: Invitae Variant Classification Sherloc (09022015). Collection method: clinical testing. Allele origin: germline.
Comment: This sequence change replaces glutamic acid, which is acidic and polar, with leucine, which is neutral and non-polar, at codon 596 of the GRIN1 protein (p.Glu596Leu). Information on the frequency of this variant in the gnomAD database is not available, as this variant may be reported differently in the database. This variant has not been reported in the literature in individuals affected with GRIN1-related conditions. An algorithm developed to predict the effect of missense changes on protein structure and function (PolyPhen-2) suggests that this variant is likely to be disruptive. In summary, the available evidence is currently insufficient to determine the role of this variant in disease. Therefore, it has been classified as a Variant of Uncertain Significance.

NM_007327.4(GRIN1):c.1786_1787delinsTT (p.Glu596Leu)

Gene: GRIN1 (glutamate ionotropic receptor NMDA type subunit 1; plus strand). Cytogenetic location: 9q34.3.
Variant type: Indel.
Coding change: c.1786_1787delinsTT on transcript NM_007327.4 (MANE Select); coding-DNA positions 1786 to 1787, GA replaced by TT.
Protein change: p.Glu596Leu; replaces glutamic acid 596 with leucine.
Molecular consequence: missense variant.
Genome position (GRCh38, 1-based): chr9:137,162,438-137,162,439, GA replaced by TT. VCF-style: chr9-137162438-GA-TT. GRCh37 (hg19) VCF-style: chr9-140056890-GA-TT.
Other names: c.1786_1787delinsTT, p.Glu596Leu (NM_000832.7, NM_021569.4); c.1849_1850delinsTT, p.Glu617Leu (NM_001185090.2, NM_001185091.2); short protein forms E596L, E617L.
Identifiers: ClinVar variation 3009470 (VCV003009470.3), dbSNP rs2538639177, ClinGen allele CA2740092952.